The following is an entry in ClinVar:

ClinVar aggregate classification (germline): Benign/Likely benign. Review status: criteria provided, multiple submitters, no conflicts (2 of 4 stars). 2 submissions from 2 submitters: Benign (1); Likely benign (1). Last evaluated 2025-02-24.

Conditions:
Breast-ovarian cancer, familial, susceptibility to, 4. Identifiers: Orphanet 145, MedGen C3280345, MONDO:0013669, OMIM 614291.

gnomAD v4.1: 1 of 1,613,460 alleles (0.000062%); highest among the groups gnomAD compares: Non-Finnish European, 0.000085%; no homozygotes.

Submissions (2):

Myriad Genetics, Inc.
Classification: Benign for Breast-ovarian cancer, familial, susceptibility to, 4. Last evaluated: 2025-02-24. Review status: criteria provided, single submitter. Criteria: Myriad Autosomal Dominant, Autosomal Recessive and X-Linked Classification Criteria (2023). Collection method: clinical testing. Allele origin: unknown.
Comment: This variant is considered benign. This variant is a silent/synonymous amino acid change and it is not expected to impact splicing.

Labcorp Genetics (formerly Invitae), Labcorp
Classification: Likely benign for Breast-ovarian cancer, familial, susceptibility to, 4. Last evaluated: 2024-04-30. Review status: criteria provided, single submitter. Criteria: Invitae Variant Classification Sherloc (09022015). Collection method: clinical testing. Allele origin: germline.

NM_002878.4(RAD51D):c.579G>T (p.Val193=)

Genes: RAD51L3-RFFL (RAD51L3-RFFL readthrough; minus strand), RAD51D (RAD51 paralog D; minus strand). Cytogenetic location: 17q12.
Variant type: single nucleotide variant.
Coding change: c.579G>T on transcript NM_002878.4 (MANE Select); coding-DNA position 579, G replaced by T.
Protein change: p.Val193=; no amino-acid change (valine 193 retained).
Molecular consequence: synonymous variant. On other transcripts: non-coding transcript variant (3).
Genome position (GRCh38, 1-based): chr17:35,103,542, C>A on the plus strand (G>T on the coding strand, the complement: RAD51D is on the minus strand). VCF-style: chr17-35103542-C-A. GRCh37 (hg19) VCF-style: chr17-33430561-C-A.
Other names: c.639G>T, p.Val213= (NM_001142571.2); c.243G>T, p.Val81= (NM_133629.3).
Identifiers: ClinVar variation 3651605 (VCV003651605.3).